The following is an entry in ClinVar:

ClinVar aggregate classification (germline): Uncertain significance. Review status: criteria provided, multiple submitters, no conflicts (2 of 4 stars). 2 submissions from 2 submitters: Uncertain significance (2). Last evaluated 2025-08-14.

Conditions:
Porokeratosis 3, disseminated superficial actinic type (POROK3). Also called: POROKERATOSIS 3, MULTIPLE TYPES; POROKERATOSIS 3, MIBELLI TYPE; POROKERATOSIS, DISSEMINATED SUPERFICIAL ACTINIC, 1. Identifiers: MedGen C1867981, MONDO:0008293, OMIM 175900.
Hyperimmunoglobulin D with periodic fever (HIDS). Also called: Hyperimmunoglobulinemia D with periodic fever; HYPERIMMUNOGLOBULINEMIA D AND PERIODIC FEVER SYNDROME; Hyperimmunoglobulinemia D. Identifiers: Orphanet 343, MedGen C0398691, MONDO:0009849, OMIM 260920.
Mevalonic aciduria (MEVA). Identifiers: Orphanet 29, MedGen C1959626, MONDO:0012481, OMIM 610377.
Inborn genetic diseases. Identifiers: MedGen C0950123, MeSH D030342.

Allele frequency attached by ClinVar (database versions not stated): gnomAD exomes below 0.00001; ExAC 0.00001; gnomAD 0.00001.
gnomAD v4.1: 4 of 1,614,092 alleles (0.00025%); highest among the groups gnomAD compares: South Asian, 0.0033%; no homozygotes.

Submissions (2):

Ambry Genetics
Classification: Uncertain significance for Inborn genetic diseases. Last evaluated: 2025-08-14. Review status: criteria provided, single submitter. Criteria: Ambry Variant Classification Scheme 2023. Collection method: clinical testing. Allele origin: germline.

Labcorp Genetics (formerly Invitae), Labcorp
Classification: Uncertain significance for Mevalonic aciduria; Hyperimmunoglobulin D with periodic fever; Porokeratosis 3, disseminated superficial actinic type. Last evaluated: 2022-05-20. Review status: criteria provided, single submitter. Criteria: Invitae Variant Classification Sherloc (09022015). Collection method: clinical testing. Allele origin: germline.
Comment: In summary, the available evidence is currently insufficient to determine the role of this variant in disease. Therefore, it has been classified as a Variant of Uncertain Significance. Algorithms developed to predict the effect of missense changes on protein structure and function (SIFT, PolyPhen-2, Align-GVGD) all suggest that this variant is likely to be tolerated. This variant has not been reported in the literature in individuals affected with MVK-related conditions. This variant is present in population databases (rs765344836, gnomAD 0.003%). This sequence change replaces glutamine, which is neutral and polar, with arginine, which is basic and polar, at codon 68 of the MVK protein (p.Gln68Arg).

NM_000431.4(MVK):c.203A>G (p.Gln68Arg)

Gene: MVK (mevalonate kinase; plus strand). Cytogenetic location: 12q24.11.
Variant type: single nucleotide variant.
Coding change: c.203A>G on transcript NM_000431.4 (MANE Select); coding-DNA position 203, A replaced by G.
Protein change: p.Gln68Arg; replaces glutamine 68 with arginine.
Molecular consequence: missense variant.
Genome position (GRCh38, 1-based): chr12:109,576,122, A>G. VCF-style: chr12-109576122-A-G. GRCh37 (hg19) VCF-style: chr12-110013927-A-G.
Other names: c.203A>G, p.Gln68Arg (NM_001114185.3, NM_001301182.2, NM_001414511.1 and 3 more transcripts); c.-380A>G (NM_001414515.1); short protein forms Q68R.
Identifiers: ClinVar variation 1996976 (VCV001996976.5), dbSNP rs765344836, ClinGen allele CA6779164.
Genomic context (GRCh38, chr12:109,576,122, plus strand): 5'-AAGTGGACCTCAGCTTACCCAACATTGGTATCAAGCGGGCCTGGGATGTGGCCAGGCTTC[A>G]GTCACTGGACACAAGCTTTCTGGGTGAGTGCAAGGAGGAGAAACCAGGTGTGCTAAGAGC-3'
Protein context (NP_000422.1, residues 58-78): IKRAWDVARL[Gln68Arg]SLDTSFLEQG